The following is an entry in ClinVar:

NM_000548.5(TSC2):c.3067A>G (p.Thr1023Ala)

Gene: TSC2 (TSC complex subunit 2; plus strand). Cytogenetic location: 16p13.3.
Variant type: single nucleotide variant.
Coding change: c.3067A>G on transcript NM_000548.5 (MANE Select); coding-DNA position 3067, A replaced by G.
Protein change: p.Thr1023Ala; replaces threonine 1023 with alanine.
Molecular consequence: missense variant.
Genome position (GRCh38, 1-based): chr16:2,079,132, A>G. VCF-style: chr16-2079132-A-G. GRCh37 (hg19) VCF-style: chr16-2129133-A-G.
Other names: c.2935A>G, p.Thr979Ala (NM_001077183.3, NM_001370404.1); c.3067A>G, p.Thr1023Ala (NM_001114382.3); c.2827A>G, p.Thr943Ala (NM_001318827.2); c.2791A>G, p.Thr931Ala (NM_001318829.2); c.2335A>G, p.Thr779Ala (NM_001318831.2); c.2968A>G, p.Thr990Ala (NM_001318832.2); c.2938A>G, p.Thr980Ala (NM_001363528.2, NM_001370405.1, NM_021055.3); short protein forms T1023A, T779A, T931A, T943A, T979A, T980A, T990A.
Identifiers: ClinVar variation 845867 (VCV000845867.13), dbSNP rs2089798819, ClinGen allele CA394284474.
Genomic context (GRCh38, chr16:2,079,132, plus strand): 5'-GCAGATGAGAACTCCGTGGCCCAGGCTGACGATAGCCTGAAAAACCTCCACCTGGAGCTC[A>G]CGGAAACCTGTCTGGACATGATGGCTCGATACGTCTTCTCCAACTTCACGGCTGTCCCGA-3'
Protein context (NP_000539.2, residues 1013-1033): DSLKNLHLEL[Thr1023Ala]ETCLDMMARY

ClinVar aggregate classification (germline): Uncertain significance. Review status: criteria provided, multiple submitters, no conflicts (2 of 4 stars). 3 submissions from 3 submitters: Uncertain significance (3). Last evaluated 2025-11-24.

Conditions:
Isolated focal cortical dysplasia type II (FCORD2). Also called: CORTICAL DYSPLASIA OF TAYLOR; Focal cortical dysplasia type II. Identifiers: Orphanet 268994, MedGen C1846385, MONDO:0011818, OMIM 607341, HP:0032051.
Lymphangiomyomatosis (LAM). Also called: Lymphangioleiomyomatosis; Lymphangioleiomyomatosis, somatic. Identifiers: Orphanet 538, MedGen C0751674, MONDO:0011705, OMIM 606690.
Tuberous sclerosis 2 (TSC2). Identifiers: Orphanet 805, MedGen C1860707, MONDO:0013199, OMIM 613254.
Hereditary cancer-predisposing syndrome. Also called: Neoplastic Syndromes, Hereditary; Hereditary neoplastic syndrome; Tumor predisposition; Hereditary Cancer Syndrome. Identifiers: Orphanet 140162, MedGen C0027672, MeSH D009386, MONDO:0015356.

Allele frequency attached by ClinVar (database versions not stated): gnomAD exomes below 0.00001.
gnomAD v4.1: 1 of 1,613,036 alleles (0.000062%); highest among the groups gnomAD compares: Non-Finnish European, 0.000085%; no homozygotes.

Submissions (3):

Labcorp Genetics (formerly Invitae), Labcorp
Classification: Uncertain significance for Tuberous sclerosis 2. Last evaluated: 2025-11-24. Review status: criteria provided, single submitter. Criteria: Invitae Variant Classification Sherloc (09022015). Collection method: clinical testing. Allele origin: germline.
Comment: This sequence change replaces threonine, which is neutral and polar, with alanine, which is neutral and non-polar, at codon 1023 of the TSC2 protein (p.Thr1023Ala). This variant is not present in population databases (gnomAD no frequency). This variant has not been reported in the literature in individuals affected with TSC2-related conditions. ClinVar contains an entry for this variant (Variation ID: 845867). Invitae Evidence Modeling of protein sequence and biophysical properties (such as structural, functional, and spatial information, amino acid conservation, physicochemical variation, residue mobility, and thermodynamic stability) indicates that this missense variant is not expected to disrupt TSC2 protein function with a negative predictive value of 95%. In summary, the available evidence is currently insufficient to determine the role of this variant in disease. Therefore, it has been classified as a Variant of Uncertain Significance.

Fulgent Genetics
Classification: Uncertain significance for Lymphangiomyomatosis; Isolated focal cortical dysplasia type II; Tuberous sclerosis 2. Last evaluated: 2024-06-03. Review status: criteria provided, single submitter. Criteria: ACMG Guidelines, 2015. Collection method: clinical testing. Allele origin: germline.

Ambry Genetics
Classification: Uncertain significance for Hereditary cancer-predisposing syndrome. Last evaluated: 2022-05-12. Review status: criteria provided, single submitter. Criteria: Ambry Variant Classification Scheme 2023. Collection method: clinical testing. Allele origin: germline.
Comment: The p.T1023A variant (also known as c.3067A>G), located in coding exon 26 of the TSC2 gene, results from an A to G substitution at nucleotide position 3067. The threonine at codon 1023 is replaced by alanine, an amino acid with similar properties. This amino acid position is conserved. In addition, this alteration is predicted to be deleterious by in silico analysis. Since supporting evidence is limited at this time, the clinical significance of this alteration remains unclear.